The following is an entry in ClinVar:

ClinVar aggregate classification (germline): Uncertain significance (1 of 4 stars; one submission).

Conditions:
Bloom syndrome (BLM). Also called: Bloom-Torre-Machacek syndrome. Identifiers: Orphanet 125, MedGen C0005859, MONDO:0008876, OMIM 210900.

Submission:

Labcorp Genetics (formerly Invitae), Labcorp
Classification: Uncertain significance for Bloom syndrome. Last evaluated: 2025-11-04. Review status: criteria provided, single submitter. Criteria: Invitae Variant Classification Sherloc (09022015). Collection method: clinical testing. Allele origin: germline.
Comment: This sequence change replaces isoleucine, which is neutral and non-polar, with lysine, which is basic and polar, at codon 1405 of the BLM protein (p.Ile1405Lys). This variant is present in population databases (rs763323767, gnomAD 0.003%). This variant has not been reported in the literature in individuals affected with BLM-related conditions. An algorithm developed to predict the effect of missense changes on protein structure and function outputs the following: PolyPhen-2: "Benign". The lysine amino acid residue is found in multiple mammalian species, which suggests that this missense change does not adversely affect protein function. In summary, the available evidence is currently insufficient to determine the role of this variant in disease. Therefore, it has been classified as a Variant of Uncertain Significance.

NM_000057.4(BLM):c.4214T>A (p.Ile1405Lys)

Gene: BLM (BLM RecQ like helicase; plus strand). Cytogenetic location: 15q26.1.
Variant type: single nucleotide variant.
Coding change: c.4214T>A on transcript NM_000057.4 (MANE Select); coding-DNA position 4214, T replaced by A.
Protein change: p.Ile1405Lys; replaces isoleucine 1405 with lysine.
Molecular consequence: missense variant.
Genome position (GRCh38, 1-based): chr15:90,815,239, T>A. VCF-style: chr15-90815239-T-A. GRCh37 (hg19) VCF-style: chr15-91358469-T-A.
Other names: c.4214T>A, p.Ile1405Lys (NM_001287246.2); c.3821T>A, p.Ile1274Lys (NM_001287247.2); c.3089T>A, p.Ile1030Lys (NM_001287248.2); short protein forms I1274K, I1030K, I1405K.
Identifiers: ClinVar variation 4730453 (VCV004730453.1).